The following is an entry in ClinVar:

ClinVar aggregate classification (germline): Likely benign. Review status: criteria provided, multiple submitters, no conflicts (2 of 4 stars). 2 submissions from 2 submitters: Likely benign (2). Last evaluated 2025-09-14.

Conditions:
Cardiomyopathy (CMYO). Also called: Cardiomyopathies. Identifiers: Orphanet 167848, MedGen C0878544, MONDO:0004994, HP:0001638. Inheritance: Various modes of inheritance.

gnomAD v4.1: 2 of 1,611,442 alleles (0.00012%); highest among the groups gnomAD compares: African/African-American, 0.0027%; no homozygotes.

Submissions (2):

Color Diagnostics, LLC DBA Color Health
Classification: Likely benign for Cardiomyopathy. Last evaluated: 2025-09-14. Review status: criteria provided, single submitter. Criteria: ACMG Guidelines, 2015. Collection method: clinical testing. Allele origin: germline.

Molecular Diagnostic Laboratory for Inherited Cardiovascular Disease, Montreal Heart Institute
Classification: Likely benign. Last evaluated: 2025-04-09. Review status: criteria provided, single submitter. Criteria: ACMG Guidelines, 2015. Collection method: clinical testing. Allele origin: germline. Affected: no.
Comment: BP6;BP7

NM_001035.3(RYR2):c.14013C>T (p.Gly4671=)

Gene: RYR2 (ryanodine receptor 2; plus strand). Cytogenetic location: 1q43.
Variant type: single nucleotide variant.
Coding change: c.14013C>T on transcript NM_001035.3 (MANE Select); coding-DNA position 14013, C replaced by T.
Protein change: p.Gly4671=; no amino-acid change (glycine 4671 retained).
Molecular consequence: synonymous variant.
Genome position (GRCh38, 1-based): chr1:237,798,093, C>T. VCF-style: chr1-237798093-C-T. GRCh37 (hg19) VCF-style: chr1-237961393-C-T.
Identifiers: ClinVar variation 3895066 (VCV003895066.2), dbSNP rs1416459319.